The following is an entry in ClinVar:

NM_005120.3(MED12):c.2873G>A (p.Gly958Glu)

Gene: MED12 (mediator complex subunit 12; plus strand). Cytogenetic location: Xq13.1.
Variant type: single nucleotide variant.
Coding change: c.2873G>A on transcript NM_005120.3 (MANE Select); coding-DNA position 2873, G replaced by A.
Protein change: p.Gly958Glu; replaces glycine 958 with glutamic acid.
Molecular consequence: missense variant.
Genome position (GRCh38, 1-based): chrX:71,127,359, G>A. VCF-style: chrX-71127359-G-A. GRCh37 (hg19) VCF-style: chrX-70347209-G-A.
Other names: short protein forms G958E.
Identifiers: ClinVar variation 65683 (VCV000065683.3), dbSNP rs397515554, ClinGen allele CA345020.

ClinVar aggregate classification (germline): not provided (0 of 4 stars; one submission).

Conditions:
FG syndrome 1 (OKS). Also called: FG Syndrome Type 1 (FGS1); OPITZ-KAVEGGIA SYNDROME; KELLER SYNDROME; MENTAL RETARDATION, LARGE HEAD, IMPERFORATE ANUS, CONGENITAL HYPOTONIA, AND PARTIAL AGENESIS OF CORPUS CALLOSUM. Identifiers: Orphanet 93932, MedGen C5399762, MONDO:0010590, OMIM 305450.

Submission:

GeneReviews
No classification provided. Condition: FG syndrome. Review status: no classification provided. Collection method: literature only. Allele origin: germline.
Comment: Reported in a family with FG syndrome type 1

Literature cited by the submitters: PubMed 20507344; PubMed 20301719.